The following is an entry in ClinVar:

ClinVar aggregate classification (germline): Uncertain significance (1 of 4 stars; one submission).

Conditions:
Emery-Dreifuss muscular dystrophy 4, autosomal dominant (EDMD4). Also called: EMERY-DREIFUSS MUSCULAR DYSTROPHY 4 WITH VARIABLE FEATURES. Identifiers: Orphanet 261, MedGen C2751807, MONDO:0013071, OMIM 612998.
Autosomal recessive ataxia, Beauce type. Also called: Spinocerebellar ataxia, autosomal recessive 8; ATAXIA, RECESSIVE, OF BEAUCE; SYNE1-Related Autosomal Recessive Cerebellar Ataxia; SYNE1 Deficiency. Identifiers: Orphanet 88644, MedGen C1853116, MONDO:0012549, OMIM 610743.

Submission:

Labcorp Genetics (formerly Invitae), Labcorp
Classification: Uncertain significance for Emery-Dreifuss muscular dystrophy 4, autosomal dominant; Autosomal recessive ataxia, Beauce type. Last evaluated: 2025-10-02. Review status: criteria provided, single submitter. Criteria: Invitae Variant Classification Sherloc (09022015). Collection method: clinical testing. Allele origin: germline.
Comment: This sequence change replaces aspartic acid, which is acidic and polar, with glycine, which is neutral and non-polar, at codon 1691 of the SYNE1 protein (p.Asp1691Gly). This variant is not present in population databases (gnomAD no frequency). This variant has not been reported in the literature in individuals affected with SYNE1-related conditions. ClinVar contains an entry for this variant (Variation ID: 3755652). An algorithm developed to predict the effect of missense changes on protein structure and function outputs the following: PolyPhen-2: "Benign". The glycine amino acid residue is found in multiple mammalian species, which suggests that this missense change does not adversely affect protein function. In summary, the available evidence is currently insufficient to determine the role of this variant in disease. Therefore, it has been classified as a Variant of Uncertain Significance.

NM_182961.4(SYNE1):c.5051A>G (p.Asp1684Gly)

Gene: SYNE1 (spectrin repeat containing nuclear envelope protein 1; minus strand). Cytogenetic location: 6q25.2.
Variant type: single nucleotide variant.
Coding change: c.5051A>G on transcript NM_182961.4 (MANE Select); coding-DNA position 5051, A replaced by G.
Protein change: p.Asp1684Gly; replaces aspartic acid 1684 with glycine.
Molecular consequence: missense variant.
Genome position (GRCh38, 1-based): chr6:152,427,742, T>C on the plus strand (A>G on the coding strand, the complement: SYNE1 is on the minus strand). VCF-style: chr6-152427742-T-C. GRCh37 (hg19) VCF-style: chr6-152748877-T-C.
Other names: c.5072A>G, p.Asp1691Gly (NM_033071.5); short protein forms D1684G, D1691G.
Identifiers: ClinVar variation 3755652 (VCV003755652.2).
Genomic context (GRCh38, chr6:152,427,742, plus strand): 5'-CTTGAACTTGCCTGTATTAACTGAAGTTCACCTTCCACTTTGACTCTGTCTGCAGAAATG[T>C]CCATTTCTGGGGAACTGGCTTTAGCTTCACCCCGCTCTAACCAGGTCAAAAAGGATGATA-3'
Protein context (NP_892006.3, residues 1674-1694): GEAKASSPEM[Asp1684Gly]ISADRVKVEG